The following is an entry in ClinVar:

ClinVar aggregate classification (germline): Pathogenic/Likely pathogenic. Review status: criteria provided, multiple submitters, no conflicts (2 of 4 stars). 3 submissions from 3 submitters: Pathogenic (1); Likely pathogenic (2). Last evaluated 2024-06-18.

Conditions:
FLT4-related disorders.
Congenital heart defects, multiple types, 7. Identifiers: MedGen C5394062, MONDO:0032913, OMIM 618780.

Submissions (3):

GeneDx
Classification: Likely pathogenic. Last evaluated: 2024-06-18. Review status: criteria provided, single submitter. Criteria: GeneDx Variant Classification Process June 2021. Collection method: clinical testing. Allele origin: germline. Affected: yes.
Comment: Identified in a patient with congenital heart disease, however, specific clinical information was not provided (PMID: 33084842); Frameshift variant predicted to result in protein truncation or nonsense mediated decay in a gene for which loss-of-function is a known mechanism of disease; Not observed at significant frequency in large population cohorts (gnomAD); This variant is associated with the following publications: (PMID: 33084842)

Blueprint Genetics
Classification: Pathogenic for FLT4-related disorders. Last evaluated: 2023-03-17. Review status: criteria provided, single submitter. Criteria: ACMG Guidelines, 2015. Collection method: clinical testing. Allele origin: germline. Affected: yes. Observed: 1 variant allele.

New York Genome Center
Classification: Likely pathogenic for Congenital heart defects, multiple types, 7. Last evaluated: 2022-10-13. Review status: criteria provided, single submitter. Criteria: NYGC Assertion Criteria 2020. Collection method: clinical testing. Allele origin: inherited. Affected: yes. Observed: 1 heterozygote. Study: PrenatalSEQ.
Comment: The inherited heterozygous c.298_304del variant identified FLT4 has been reported in one individual with congenital heart disease (CHD) in a large cohort study (no additional information on that individual was provided: PMID:33084842). This variant is absent from gnomAD v2.1.1 and v3.1.2 databases, but there is one heterozygous allele (out of 264,690 alleles) in the TOPMed Freeze 8 database which includes variants identified in individuals with CHD. The c.298_304del variant is located in exon 3 of this 30-exon gene, predicted to replace a glutamic acid residue with methionine at 100 amnio acid (p.(Glu100MetfsTer31)), leading to a frameshift and premature stop codon formation and is expected to result in loss-of-function via nonsense-mediated mRNA decay. Loss-of-function variants in exon 3 as well as in upstream and downstream exons of FLT4 have been reported in individuals with TOF [PMID:30582441,30232381,28991257]. Based on available evidence, this inherited heterozygous c.298_304del, p.(Glu100MetfsTer31) frameshift variant identified in FLT4 gene is classified as Likely Pathogenic.

NM_182925.5(FLT4):c.298_304del (p.Glu100fs)

Gene: FLT4 (fms related receptor tyrosine kinase 4; minus strand). Cytogenetic location: 5q35.3.
Variant type: Deletion.
Coding change: c.298_304del on transcript NM_182925.5 (MANE Select); coding-DNA positions 298 to 304, 7 bases deleted (GAGGTAC; older notation c.298_304delGAGGTAC).
Protein change: p.Glu100fs; shifts the reading frame from glutamic acid 100.
Molecular consequence: frameshift variant.
Genome position (GRCh38, 1-based): chr5:180,630,651-180,630,657, GTACCTC deleted on the plus strand (GAGGTAC on the coding strand, the reverse complement: FLT4 is on the minus strand); deleting any 7 consecutive bases within chr5:180,630,651-180,630,659 gives the same sequence; the c. name uses the placement nearest the transcript's 3' end. VCF-style (leftmost placement, unchanged base first): chr5-180630650-TGTACCTC-T. GRCh37 (hg19) VCF-style: chr5-180057650-TGTACCTC-T.
Other names: c.298_304del (NM_182925.4); c.298_304del, p.Glu100fs (NM_001354989.2, NM_002020.5); short protein forms E100fs.
Identifiers: ClinVar variation 3235936 (VCV003235936.3), dbSNP rs1764039505, ClinGen allele CA1604728336.